The following is an entry in ClinVar:

ClinVar aggregate classification (germline): Uncertain significance. Review status: criteria provided, multiple submitters, no conflicts (2 of 4 stars). 2 submissions from 2 submitters: Uncertain significance (2). Last evaluated 2026-07-03.

Conditions:
Inborn genetic diseases. Identifiers: MedGen C0950123, MeSH D030342.

Allele frequency attached by ClinVar (database versions not stated): TOPMed below 0.00001; gnomAD 0.00001.
gnomAD v4.1: 2 of 1,613,868 alleles (0.00012%); highest among the groups gnomAD compares: Admixed American, 0.0017%; no homozygotes.

Submissions (2):

Ambry Genetics
Classification: Uncertain significance for Inborn genetic diseases. Last evaluated: 2026-07-03. Review status: criteria provided, single submitter. Criteria: Ambry Variant Classification Scheme 2023. Collection method: clinical testing. Allele origin: germline.

Labcorp Genetics (formerly Invitae), Labcorp
Classification: Uncertain significance. Last evaluated: 2025-07-27. Review status: criteria provided, single submitter. Criteria: Invitae Variant Classification Sherloc (09022015). Collection method: clinical testing. Allele origin: germline.
Comment: This sequence change replaces glutamic acid, which is acidic and polar, with aspartic acid, which is acidic and polar, at codon 227 of the FAT4 protein (p.Glu227Asp). This variant is not present in population databases (gnomAD no frequency). This variant has not been reported in the literature in individuals affected with FAT4-related conditions. ClinVar contains an entry for this variant (Variation ID: 1515394). Invitae Evidence Modeling of protein sequence and biophysical properties (such as structural, functional, and spatial information, amino acid conservation, physicochemical variation, residue mobility, and thermodynamic stability) indicates that this missense variant is not expected to disrupt FAT4 protein function with a negative predictive value of 95%. In summary, the available evidence is currently insufficient to determine the role of this variant in disease. Therefore, it has been classified as a Variant of Uncertain Significance.

NM_001291303.3(FAT4):c.681G>T (p.Glu227Asp)

Gene: FAT4 (FAT atypical cadherin 4; plus strand). Cytogenetic location: 4q28.1.
Variant type: single nucleotide variant.
Coding change: c.681G>T on transcript NM_001291303.3 (MANE Select); coding-DNA position 681, G replaced by T.
Protein change: p.Glu227Asp; replaces glutamic acid 227 with aspartic acid.
Molecular consequence: missense variant.
Genome position (GRCh38, 1-based): chr4:125,317,092, G>T. VCF-style: chr4-125317092-G-T. GRCh37 (hg19) VCF-style: chr4-126238247-G-T.
Other names: c.681G>T, p.Glu227Asp (NM_001291285.3, NM_024582.6); c.681G>T (NM_024582.4); short protein forms E227D.
Identifiers: ClinVar variation 1515394 (VCV001515394.7), dbSNP rs989816448, ClinGen allele CA104861241.